The following is an entry in ClinVar:

ClinVar aggregate classification (germline): Uncertain significance. Review status: criteria provided, multiple submitters, no conflicts (2 of 4 stars). 2 submissions from 2 submitters: Uncertain significance (2). Last evaluated 2025-03-24.

Conditions:
3-Methylglutaconic aciduria type 2 (BTHS). Also called: Barth syndrome; CARDIOSKELETAL MYOPATHY WITH NEUTROPENIA AND ABNORMAL MITOCHONDRIA. Identifiers: Orphanet 111, MedGen C0574083, MONDO:0010543, OMIM 302060.

Allele frequency attached by ClinVar (database versions not stated): gnomAD exomes below 0.00001; TOPMed below 0.00001.
gnomAD v4.1: 2 of 1,210,857 alleles (0.00017%); highest among the groups gnomAD compares: Admixed American, 0.0044%; no homozygotes.

Submissions (2):

Labcorp Genetics (formerly Invitae), Labcorp
Classification: Uncertain significance for 3-Methylglutaconic aciduria type 2. Last evaluated: 2025-03-24. Review status: criteria provided, single submitter. Criteria: Invitae Variant Classification Sherloc (09022015). Collection method: clinical testing. Allele origin: germline.
Comment: This sequence change affects codon 234 of the TAZ mRNA. It is a 'silent' change, meaning that it does not change the encoded amino acid sequence of the TAZ protein. This variant is present in population databases (no rsID available, gnomAD 0.004%). This variant has not been reported in the literature in individuals affected with TAZ-related conditions. ClinVar contains an entry for this variant (Variation ID: 2683795). Algorithms developed to predict the effect of sequence changes on RNA splicing suggest that this variant may create or strengthen a splice site. In summary, the available evidence is currently insufficient to determine the role of this variant in disease. Therefore, it has been classified as a Variant of Uncertain Significance.

Mayo Clinic Laboratories, Mayo Clinic
Classification: Uncertain significance. Last evaluated: 2023-05-17. Review status: criteria provided, single submitter. Criteria: ACMG Guidelines, 2015. Collection method: clinical testing. Allele origin: germline. Observed: 1 variant allele.
Comment: PP3, PM2_supporting

NM_000116.5(TAFAZZIN):c.702A>G (p.Lys234=)

Gene: TAFAZZIN (tafazzin, phospholipid-lysophospholipid transacylase; plus strand). Cytogenetic location: Xq28.
Variant type: single nucleotide variant.
Coding change: c.702A>G on transcript NM_000116.5 (MANE Select); coding-DNA position 702, A replaced by G.
Protein change: p.Lys234=; no amino-acid change (lysine 234 retained).
Molecular consequence: synonymous variant. On other transcripts: non-coding transcript variant (1).
Genome position (GRCh38, 1-based): chrX:154,420,660, A>G. VCF-style: chrX-154420660-A-G. GRCh37 (hg19) VCF-style: chrX-153648999-A-G.
Other names: p.Lys234=; c.714A>G, p.Lys238= (NM_001303465.2); c.666A>G, p.Lys222= (NM_001410698.1); c.612A>G, p.Lys204= (NM_181311.4); c.660A>G, p.Lys220= (NM_181312.4); c.570A>G, p.Lys190= (NM_181313.4).
Identifiers: ClinVar variation 2683795 (VCV002683795.4), dbSNP rs1557194341, ClinGen allele CA519278161.